The following is an entry in ClinVar:

NM_005159.5(ACTC1):c.268C>T (p.His90Tyr)

Genes: ACTC1 (actin alpha cardiac muscle 1; minus strand), GJD2-DT (GJD2 divergent transcript; plus strand). Cytogenetic location: 15q14.
Variant type: single nucleotide variant.
Coding change: c.268C>T on transcript NM_005159.5 (MANE Select); coding-DNA position 268, C replaced by T.
Protein change: p.His90Tyr; replaces histidine 90 with tyrosine.
Molecular consequence: missense variant.
Genome position (GRCh38, 1-based): chr15:34,793,431, G>A on the plus strand (C>T on the coding strand, the complement: ACTC1 is on the minus strand). VCF-style: chr15-34793431-G-A. GRCh37 (hg19) VCF-style: chr15-35085632-G-A.
Other names: p.H90Y:CAC>TAC; short protein forms H90Y.
Identifiers: ClinVar variation 18326 (VCV000018326.19), dbSNP rs121912676, ClinGen allele CA019710.

ClinVar aggregate classification (germline): Conflicting classifications of pathogenicity. Review status: criteria provided, conflicting classifications (1 of 4 stars). 10 submissions from 10 submitters: Likely pathogenic (2); Uncertain significance (7). 1 of the submissions does not count toward it. Last evaluated 2025-09-09.

Conditions:
Cardiovascular phenotype. Identifiers: MedGen CN230736.
Dilated cardiomyopathy 1R (CMD1R). Identifiers: Orphanet 154, Orphanet 54260, MedGen C3150681, MONDO:0013261, OMIM 613424.
Atrial septal defect 5 (ASD5). Identifiers: Orphanet 1478, MedGen C2748552, MONDO:0013011, OMIM 612794.
Hypertrophic cardiomyopathy 11. Also called: ACTC1-Related Familial Hypertrophic Cardiomyopathy. Identifiers: MedGen C2677506, MONDO:0012799, OMIM 612098.
Cardiomyopathy (CMYO). Also called: Cardiomyopathies. Identifiers: Orphanet 167848, MedGen C0878544, MONDO:0004994, HP:0001638. Inheritance: Various modes of inheritance.
Hypertrophic cardiomyopathy. Also called: HYPERTROPHIC MYOCARDIOPATHY. Identifiers: Orphanet 217569, MedGen C0007194, MeSH D002312, MONDO:0005045, HP:0001639.

Allele frequency attached by ClinVar (database versions not stated): ExAC 0.00001; gnomAD exomes 0.00001.
gnomAD v4.1: 3 of 1,614,180 alleles (0.00019%); highest among the groups gnomAD compares: Admixed American, 0.0033%; no homozygotes.

Submissions (10):

Variantyx, Inc.
Classification: Likely pathogenic for Hypertrophic cardiomyopathy 11. Last evaluated: 2025-09-09. Review status: criteria provided, single submitter. Criteria: Variantyx Assertion Criteria 2022. Collection method: clinical testing. Allele origin: germline. Inheritance: Autosomal dominant inheritance. Affected: yes.
Comment: This is a nonsynonymous variant in the ACTC1 gene (OMIM: 102540). Pathogenic variants in this gene have been associated with autosomal dominant hypertrophic cardiomyopathy 11. This variant has been observed to segregate with disease in at least 11 individuals from 3 families (PMID: 36960733, 29121657, 18403758) (PP1). Multiple computational algorithms predict a deleterious effect for this variant (REVEL score: 0.868) (PP3). This variant has a 0.0046% maximum allele frequency in non-founder control populations (PM2). Based on the current evidence, this variant is classified as likely pathogenic for autosomal dominant hypertrophic cardiomyopathy 11.

Labcorp Genetics (formerly Invitae), Labcorp
Classification: Uncertain significance for Dilated cardiomyopathy 1R; Hypertrophic cardiomyopathy 11; Atrial septal defect 5. Last evaluated: 2025-06-18. Review status: criteria provided, single submitter. Criteria: Invitae Variant Classification Sherloc (09022015). Collection method: clinical testing. Allele origin: germline.
Comment: This sequence change replaces histidine, which is basic and polar, with tyrosine, which is neutral and polar, at codon 90 of the ACTC1 protein (p.His90Tyr). This variant is present in population databases (rs121912676, gnomAD 0.003%). This missense change has been observed in individual(s) with left ventricular hypertrophy or hypertrophic cardiomyopathy (PMID: 18403758, 27532257, 28356264, 29121657, 30297972, 36960733). ClinVar contains an entry for this variant (Variation ID: 18326). Invitae Evidence Modeling of protein sequence and biophysical properties (such as structural, functional, and spatial information, amino acid conservation, physicochemical variation, residue mobility, and thermodynamic stability) indicates that this missense variant is not expected to disrupt ACTC1 protein function with a negative predictive value of 80%. Experimental studies have shown that this missense change affects ACTC1 function (PMID: 31481237). In summary, the available evidence is currently insufficient to determine the role of this variant in disease. Therefore, it has been classified as a Variant of Uncertain Significance.

GeneDx
Classification: Uncertain significance. Last evaluated: 2024-02-08. Review status: criteria provided, single submitter. Criteria: GeneDx Variant Classification Process June 2021. Collection method: clinical testing. Allele origin: germline. Affected: yes.
Comment: Inconclusive functional studies indicate that while this variant, reported as H88Y using alternate nomenclature, leads to increased calcium sensitivity of contraction, it resulted in similar activity and motility compared to wild type (PMID: 28972856, 31481237); Not observed at significant frequency in large population cohorts (gnomAD); In silico analysis supports that this missense variant has a deleterious effect on protein structure/function; This variant is associated with the following publications: (PMID: 27532257, 28972856, 31481237, 28356264, 29121657, 18403758, 36960733, Valverde2021[CaseReport])

All of Us Research Program, National Institutes of Health
Classification: Uncertain significance for Hypertrophic cardiomyopathy. Last evaluated: 2023-12-18. Review status: criteria provided, single submitter. Criteria: ACMG Guidelines, 2015. Collection method: clinical testing. Allele origin: germline. Inheritance: Autosomal dominant inheritance. Observed: 1 variant allele, 1 heterozygote.
Comment: This missense variant replaces histidine with tyrosine at codon 90 of the ACTC1 protein. Computational prediction suggests that this variant may have deleterious impact on protein structure and function (internally defined REVEL score threshold >= 0.7, PMID: 27666373). A functional study has shown that this variant causes increased calcium sensitivity in vitro (PMID: 31481237). This variant has been reported in six individuals affected with hypertrophic cardiomyopathy (PMID: 18403758, 27532257, 28356264, 29121657, ClinVar SCV000061992.5). This variant has been identified in 2/251492 chromosomes in the general population by the Genome Aggregation Database (gnomAD). The available evidence is insufficient to determine the role of this variant in disease conclusively. Therefore, this variant is classified as a Variant of Uncertain Significance.

This study involves interpretation of variants in research participants for the purpose of population health screening. Participant phenotype was not available at the time of variant classification. Additional details can be found in publication PMID: 35346344, PMCID: PMC8962531

Color Diagnostics, LLC DBA Color Health
Classification: Uncertain significance for Cardiomyopathy. Last evaluated: 2023-11-28. Review status: criteria provided, single submitter. Criteria: ACMG Guidelines, 2015. Collection method: clinical testing. Allele origin: germline.
Comment: This missense variant replaces histidine with tyrosine at codon 90 of the ACTC1 protein. Computational prediction tools indicate that this variant has a deleterious impact on protein structure and function. A functional study has shown that this variant causes increased calcium sensitivity in vitro (PMID: 31481237). This variant has been reported in at least five unrelated individuals affected with hypertrophic cardiomyopathy (PMID: 18403758, 27532257, 28356264, 29121657, ClinVar SCV000061992.5). This variant has been identified in 2/251492 chromosomes in the general population by the Genome Aggregation Database (gnomAD). The available evidence is insufficient to determine the role of this variant in disease conclusively. Therefore, this variant is classified as a Variant of Uncertain Significance.

Ambry Genetics
Classification: Uncertain significance for Cardiovascular phenotype. Last evaluated: 2022-10-25. Review status: criteria provided, single submitter. Criteria: Ambry Variant Classification Scheme 2023. Collection method: clinical testing. Allele origin: germline.

Women's Health and Genetics/Laboratory Corporation of America, LabCorp
Classification: Uncertain significance. Last evaluated: 2022-04-05. Review status: criteria provided, single submitter. Criteria: LabCorp Variant Classification Summary - May 2015. Collection method: clinical testing. Allele origin: germline.
Comment: Variant summary: ACTC1 c.268C>T (p.His90Tyr) results in a conservative amino acid change in the encoded protein sequence. Three of five in-silico tools predict a damaging effect of the variant on protein function. The variant allele was found at a frequency of 8e-06 in 251492 control chromosomes (gnomAD). The available data on variant occurrences in the general population are insufficient to allow any conclusion about variant significance. c.268C>T has been reported in the literature in several individuals affected with Hypertrophic Cardiomyopathy (e.g. Morita_2008, Gomez_2017, Walsh_2017, Viswanathan_2017, Ho_2018). However, these reports do not provide unequivocal conclusions about association of the variant with Hypertrophic Cardiomyopathy. One publication reported experimental evidence evaluating an impact on protein function, and demonstrated that the variant resulted in an increased calcium sensitivity (Teng_2019). Three ClinVar submitters have assessed the variant since 2014, and all classified the variant as of uncertain significance. Based on the evidence outlined above, the variant was classified as VUS-possibly pathogenic.

Laboratory for Molecular Medicine, Mass General Brigham Personalized Medicine
Classification: Uncertain significance. Last evaluated: 2015-09-09. Review status: criteria provided, single submitter. Criteria: LMM Criteria. Collection method: clinical testing. Allele origin: germline. Observed: 3 variant alleles.
Comment: The p.His90Tyr variant in ACTC1 has been reported in 3 individuals with HCM (Mor ita 2008, LMM unpublished data). This variant has also been identified in 1/6673 0 European chromosomes by the Exome Aggregation Consortium (ExAC; dbSNP rs121912676). Computational prediction tools and conserv ation analysis suggest that the p.His90Tyr variant may impact the protein, thoug h this information is not predictive enough to determine pathogenicity. In summa ry, the clinical significance of the p.His90Tyr variant is uncertain.

Laboratorio de Analisis Clinicos, Hospital Valle de Los Pedroches
Classification: Likely pathogenic for Hypertrophic cardiomyopathy 11. Review status: criteria provided, single submitter. Criteria: ACMG Guidelines, 2015. Collection method: clinical testing. Allele origin: germline. Inheritance: Autosomal dominant inheritance. Affected: yes. Observed: 1 heterozygote.
Comment: ECG showed a sinus rhythm with a left bundle branch block. Echocardiography revealed asymmetric left ventricular hypertrophy with a maximum medium septal thickness of 16 mm. The left ventricular ejec- tion fraction was preserved, but the global longitudi- nal strain was reduced. There was no left ventricular outflow tract obstruction. The left atrium was dilated with increased filling pressure. The right ventricle was normofunctional, with an estimated systolic pulmonary pressure of 45 mm Hg. Cardiac magnetic resonance imaging confirmed the presence of left ventricular hypertrophy (Figure [B]). No areas of late gadolinium enhancement were observed. Genetic testing using a commercially available next-generation sequencing cardiomyopathy gene panel identified a heterozygous missense muta- tion in the ACTC1 gene (NM_005159.5:c.268C > T; NP_005150.1:p. His90Tyr). Eleven members tested positive. Four carriers and 2 noncarriers had been diagnosed with hypertension. All carriers over the age of 50 developed a partial or complete phenotype that was not observed in noncarriers or younger carriers. Four different intraventricular conduction disorder patterns were identified

OMIM
Classification: Pathogenic for CARDIOMYOPATHY, FAMILIAL HYPERTROPHIC, 11. Last evaluated: 2008-05-01. Review status: no assertion criteria provided. Collection method: literature only. Allele origin: germline. Not counted in ClinVar's aggregate classification.

Literature cited by the submitters: PubMed 36960733 (cited by 3 submitters); PubMed 29121657 (cited by 5 submitters); PubMed 18403758 (cited by 7 submitters); PubMed 27532257 (cited by 4 submitters); PubMed 28356264 (cited by 4 submitters); PubMed 30297972 (cited by Labcorp Genetics (formerly Invitae), Labcorp and Women's Health and Genetics/Laboratory Corporation of America, LabCorp); PubMed 31481237 (cited by 4 submitters); PubMed 33049292 (cited by Women's Health and Genetics/Laboratory Corporation of America, LabCorp); DOI 10.1161/CIRCGEN.122.003963 (cited by Laboratorio de Analisis Clinicos, Hospital Valle de Los Pedroches).